The following is an entry in ClinVar:

ClinVar aggregate classification (germline): Uncertain significance (1 of 4 stars; one submission).

Conditions:
Glycogen storage disease, type V (GSD5). Also called: MCARDLE DISEASE; MUSCLE GLYCOGEN PHOSPHORYLASE DEFICIENCY; MYOPHOSPHORYLASE DEFICIENCY; PYGM DEFICIENCY; McArdle type glycogen storage disease. Identifiers: Orphanet 368, MedGen C0017924, MONDO:0009293, OMIM 232600.

Submission:

Labcorp Genetics (formerly Invitae), Labcorp
Classification: Uncertain significance for Glycogen storage disease, type V. Last evaluated: 2022-03-04. Review status: criteria provided, single submitter. Criteria: Invitae Variant Classification Sherloc (09022015). Collection method: clinical testing. Allele origin: germline.
Comment: This sequence change replaces proline, which is neutral and non-polar, with alanine, which is neutral and non-polar, at codon 232 of the PYGM protein (p.Pro232Ala). This variant is not present in population databases (gnomAD no frequency). This variant has not been reported in the literature in individuals affected with PYGM-related conditions. Algorithms developed to predict the effect of missense changes on protein structure and function are either unavailable or do not agree on the potential impact of this missense change (SIFT: "Not Available"; PolyPhen-2: "Possibly Damaging"; Align-GVGD: "Not Available"). In summary, the available evidence is currently insufficient to determine the role of this variant in disease. Therefore, it has been classified as a Variant of Uncertain Significance.

NM_005609.4(PYGM):c.694C>G (p.Pro232Ala)

Gene: PYGM (glycogen phosphorylase, muscle associated; minus strand). Cytogenetic location: 11q13.1.
Variant type: single nucleotide variant.
Coding change: c.694C>G on transcript NM_005609.4 (MANE Select); coding-DNA position 694, C replaced by G.
Protein change: p.Pro232Ala; replaces proline 232 with alanine.
Molecular consequence: missense variant.
Genome position (GRCh38, 1-based): chr11:64,755,525, G>C on the plus strand (C>G on the coding strand, the complement: PYGM is on the minus strand). VCF-style: chr11-64755525-G-C. GRCh37 (hg19) VCF-style: chr11-64522997-G-C.
Other names: c.430C>G, p.Pro144Ala (NM_001164716.1); short protein forms P144A, P232A.
Identifiers: ClinVar variation 2173311 (VCV002173311.1), dbSNP rs2496664048, ClinGen allele CA381180456.
Genomic context (GRCh38, chr11:64,755,525, plus strand): 5'-CATTGGGAGCCTTGGCAGACCAGAGGCGCATGGTGTTGACAACATTGTTGCGATAGCCAG[G>C]CACGGGCGTATCGTAGGGCATGGCCAGTACCACCTGCGGGGGGCAATCCTGTCAGGAGCT-3'
Protein context (NP_005600.1, residues 222-242): VLAMPYDTPV[Pro232Ala]GYRNNVVNTM